The following is an entry in ClinVar:

NM_001267550.2(TTN):c.14721T>C (p.Leu4907=)

Gene: TTN (titin; minus strand). Cytogenetic location: 2q31.2.
Variant type: single nucleotide variant.
Coding change: c.14721T>C on transcript NM_001267550.2 (MANE Select); coding-DNA position 14721, T replaced by C.
Protein change: p.Leu4907=; no amino-acid change (leucine 4907 retained).
Molecular consequence: synonymous variant. On other transcripts: intron variant (3).
Genome position (GRCh38, 1-based): chr2:178,735,725, A>G on the plus strand (T>C on the coding strand, the complement: TTN is on the minus strand). VCF-style: chr2-178735725-A-G. GRCh37 (hg19) VCF-style: chr2-179600452-A-G.
Other names: c.13770T>C, p.Leu4590= (NM_001256850.1); c.10989T>C, p.Leu3663= (NM_133378.4); c.13282+2357T>C (NM_003319.4); c.13858+2357T>C (NM_133437.4); c.13657+2357T>C (NM_133432.3).
Identifiers: ClinVar variation 512864 (VCV000512864.6), dbSNP rs1470683370, ClinGen allele CA430295182.

ClinVar aggregate classification (germline): Likely benign. Review status: criteria provided, multiple submitters, no conflicts (2 of 4 stars). 2 submissions from 2 submitters: Likely benign (2). Last evaluated 2021-12-18.

Conditions:
Autosomal recessive limb-girdle muscular dystrophy type 2J (LGMDR10). Also called: MUSCULAR DYSTROPHY, LIMB-GIRDLE, AUTOSOMAL RECESSIVE 10; Limb-girdle muscular dystrophy, type 2J. Identifiers: Orphanet 140922, MedGen C1837342, MONDO:0012127, OMIM 608807.
Dilated cardiomyopathy 1G (CMD1G). Identifiers: Orphanet 154, MedGen C1858763, MONDO:0011400, OMIM 604145.

Allele frequency attached by ClinVar (database versions not stated): TOPMed below 0.00001; gnomAD 0.00001.
gnomAD v4.1: 1 of 1,613,664 alleles (0.000062%); highest among the groups gnomAD compares: Admixed American, 0.0017%; no homozygotes.

Submissions (2):

Labcorp Genetics (formerly Invitae), Labcorp
Classification: Likely benign for Dilated cardiomyopathy 1G; Autosomal recessive limb-girdle muscular dystrophy type 2J. Last evaluated: 2021-12-18. Review status: criteria provided, single submitter. Criteria: Invitae Variant Classification Sherloc (09022015). Collection method: clinical testing. Allele origin: germline.

GeneDx
Classification: Likely benign. Last evaluated: 2017-10-18. Review status: criteria provided, single submitter. Criteria: GeneDx Variant Classification (06012015). Collection method: clinical testing. Allele origin: germline. Affected: yes.
Comment: This variant is considered likely benign or benign based on one or more of the following criteria: it is a conservative change, it occurs at a poorly conserved position in the protein, it is predicted to be benign by multiple in silico algorithms, and/or has population frequency not consistent with disease.